The following is an entry in ClinVar:

NM_024721.5(ZFHX4):c.241C>T (p.Pro81Ser)

Gene: ZFHX4 (zinc finger homeobox 4; plus strand). Cytogenetic location: 8q21.13.
Variant type: single nucleotide variant.
Coding change: c.241C>T on transcript NM_024721.5 (MANE Select); coding-DNA position 241, C replaced by T.
Protein change: p.Pro81Ser; replaces proline 81 with serine.
Molecular consequence: missense variant.
Genome position (GRCh38, 1-based): chr8:76,704,329, C>T. VCF-style: chr8-76704329-C-T. GRCh37 (hg19) VCF-style: chr8-77616564-C-T.
Other names: c.241C>T, p.Pro81Ser (NM_001410934.1); short protein forms P81S.
Identifiers: ClinVar variation 3900299 (VCV003900299.1).

ClinVar aggregate classification (germline): Uncertain significance (1 of 4 stars; one submission).

gnomAD v4.1: 3 of 1,613,990 alleles (0.00019%); highest among the groups gnomAD compares: South Asian, 0.0033%; no homozygotes.

Submission:

GeneDx
Classification: Uncertain significance. Last evaluated: 2023-07-12. Review status: criteria provided, single submitter. Criteria: GeneDx Variant Classification Process June 2021. Collection method: clinical testing. Allele origin: germline. Affected: yes.
Comment: Not observed at significant frequency in large population cohorts (gnomAD); In silico analysis supports that this missense variant has a deleterious effect on protein structure/function; Has not been previously published as pathogenic or benign to our knowledge; Variants in candidate genes are classified as variants of uncertain significance in accordance with ACMG guidelines (Richards et al., 2015)